The following is an entry in ClinVar:

ClinVar aggregate classification (germline): Pathogenic/Likely pathogenic. Review status: criteria provided, multiple submitters, no conflicts (2 of 4 stars). 3 submissions from 3 submitters: Pathogenic (1); Likely pathogenic (2). Last evaluated 2024-12-24.

Conditions:
Beta-D-mannosidosis (MANSB). Also called: BETA-MANNOSIDASE DEFICIENCY; MANNOSIDOSIS, BETA A, LYSOSOMAL; Beta-Mannosidosis; LYSOSOMAL BETA-MANNOSIDASE DEFICIENCY. Identifiers: Orphanet 118, MedGen C4048196, MONDO:0009562, OMIM 248510.
MANBA-related disorder. Also called: MANBA-related condition.

Allele frequency attached by ClinVar (database versions not stated): gnomAD 0.00001.
gnomAD v4.1: 22 of 1,613,662 alleles (0.0014%); highest among the groups gnomAD compares: African/African-American, 0.0053%; no homozygotes.

Submissions (3):

Labcorp Genetics (formerly Invitae), Labcorp
Classification: Pathogenic for Beta-D-mannosidosis. Last evaluated: 2024-12-24. Review status: criteria provided, single submitter. Criteria: Invitae Variant Classification Sherloc (09022015). Collection method: clinical testing. Allele origin: germline.
Comment: This sequence change creates a premature translational stop signal (p.Arg550*) in the MANBA gene. It is expected to result in an absent or disrupted protein product. Loss-of-function variants in MANBA are known to be pathogenic (PMID: 9384606, 12468273). This variant is present in population databases (no rsID available, gnomAD 0.007%). This variant has not been reported in the literature in individuals affected with MANBA-related conditions. ClinVar contains an entry for this variant (Variation ID: 2896556). For these reasons, this variant has been classified as Pathogenic.

Fulgent Genetics
Classification: Likely pathogenic for Beta-D-mannosidosis. Last evaluated: 2024-03-03. Review status: criteria provided, single submitter. Criteria: ACMG Guidelines, 2015. Collection method: clinical testing. Allele origin: germline.

Blueprint Genetics
Classification: Likely pathogenic for MANBA-related disorders. Last evaluated: 2021-03-17. Review status: criteria provided, single submitter. Criteria: ACMG Guidelines, 2015. Collection method: clinical testing. Allele origin: germline. Affected: yes. Observed: 1 variant allele.

Literature cited by the submitters: PubMed 9384606 (cited by Labcorp Genetics (formerly Invitae), Labcorp); PubMed 12468273 (cited by Labcorp Genetics (formerly Invitae), Labcorp).

NM_005908.4(MANBA):c.1648C>T (p.Arg550Ter)

Gene: MANBA (mannosidase beta; minus strand). Cytogenetic location: 4q24.
Variant type: single nucleotide variant.
Coding change: c.1648C>T on transcript NM_005908.4 (MANE Select); coding-DNA position 1648, C replaced by T.
Protein change: p.Arg550Ter; replaces arginine 550 with a stop codon.
Molecular consequence: nonsense.
Genome position (GRCh38, 1-based): chr4:102,657,738, G>A on the plus strand (C>T on the coding strand, the complement: MANBA is on the minus strand). VCF-style: chr4-102657738-G-A. GRCh37 (hg19) VCF-style: chr4-103578895-G-A.
Other names: short protein forms R550*.
Identifiers: ClinVar variation 2896556 (VCV002896556.5), dbSNP rs780068572, ClinGen allele CA102690090.